The following is an entry in ClinVar:

ClinVar aggregate classification (germline): Uncertain significance (1 of 4 stars; one submission).

Submission:

Labcorp Genetics (formerly Invitae), Labcorp
Classification: Uncertain significance. Last evaluated: 2025-03-16. Review status: criteria provided, single submitter. Criteria: Invitae Variant Classification Sherloc (09022015). Collection method: clinical testing. Allele origin: germline.
Comment: This sequence change creates a premature translational stop signal (p.Gly283Alafs*25) in the MOCS3 gene. While this is not anticipated to result in nonsense mediated decay, it is expected to disrupt the last 178 amino acid(s) of the MOCS3 protein. This variant is present in population databases (rs758248327, gnomAD 0.0009%). This variant has not been reported in the literature in individuals affected with MOCS3-related conditions. Experimental studies and prediction algorithms are not available or were not evaluated, and the functional significance of this variant is currently unknown. In summary, the available evidence is currently insufficient to determine the role of this variant in disease. Therefore, it has been classified as a Variant of Uncertain Significance.

NM_014484.5(MOCS3):c.846_847del (p.Gly283fs)

Gene: MOCS3 (molybdenum cofactor synthesis 3; plus strand). Cytogenetic location: 20q13.13.
Variant type: Microsatellite.
Coding change: c.846_847del on transcript NM_014484.5 (MANE Select); coding-DNA positions 846 to 847, 2 bases deleted (AG; older notation c.846_847delAG).
Protein change: p.Gly283fs; shifts the reading frame from glycine 283.
Molecular consequence: frameshift variant.
Genome position (GRCh38, 1-based): chr20:50,959,688-50,959,689, AG deleted; deleting any 2 consecutive bases within chr20:50,959,685-50,959,689 gives the same sequence; the c. name uses the placement nearest the transcript's 3' end. VCF-style (leftmost placement, unchanged base first): chr20-50959684-TGA-T. GRCh37 (hg19) VCF-style: chr20-49576221-TGA-T.
Other names: short protein forms G283fs.
Identifiers: ClinVar variation 1367250 (VCV001367250.8), dbSNP rs758248327, ClinGen allele CA9909485.